The following is an entry in ClinVar:

NM_000261.2(MYOC):c.565C>T (p.Arg189Ter)

Gene: MYOC (myocilin; minus strand). Cytogenetic location: 1q24.3.
Variant type: single nucleotide variant.
Coding change: c.565C>T on transcript NM_000261.2 (MANE Select); coding-DNA position 565, C replaced by T.
Protein change: p.Arg189Ter; replaces arginine 189 with a stop codon.
Molecular consequence: nonsense.
Genome position (GRCh38, 1-based): chr1:171,652,047, G>A on the plus strand (C>T on the coding strand, the complement: MYOC is on the minus strand). VCF-style: chr1-171652047-G-A. GRCh37 (hg19) VCF-style: chr1-171621187-G-A.
Other names: short protein forms R189*.
Identifiers: ClinVar variation 3026189 (VCV003026189.22), dbSNP rs562604064, ClinGen allele CA1244257.

ClinVar aggregate classification (germline): Pathogenic (1 of 4 stars; one submission).

Allele frequency attached by ClinVar (database versions not stated): ExAC 0.00001; gnomAD exomes 0.00001.
gnomAD v4.1: 8 of 1,614,186 alleles (0.0005%); highest among the groups gnomAD compares: Non-Finnish European, 0.00068%; no homozygotes.

Submission:

CeGaT Center for Human Genetics Tuebingen
Classification: Pathogenic. Last evaluated: 2023-12-01. Review status: criteria provided, single submitter. Criteria: CeGaT Center For Human Genetics Tuebingen Variant Classification Criteria Version 2. Collection method: clinical testing. Allele origin: germline. Affected: yes. Observed: 2 variant alleles.
Comment: MYOC: PVS1, PM2